The following is an entry in ClinVar:

NM_014516.4(CNOT3):c.620T>C (p.Val207Ala)

Gene: CNOT3 (CCR4-NOT transcription complex subunit 3; plus strand). Cytogenetic location: 19q13.42.
Variant type: single nucleotide variant.
Coding change: c.620T>C on transcript NM_014516.4 (MANE Select); coding-DNA position 620, T replaced by C.
Protein change: p.Val207Ala; replaces valine 207 with alanine.
Molecular consequence: missense variant.
Genome position (GRCh38, 1-based): chr19:54,145,734, T>C. VCF-style: chr19-54145734-T-C. GRCh37 (hg19) VCF-style: chr19-54649470-T-C.
Other names: short protein forms V207A.
Identifiers: ClinVar variation 3384277 (VCV003384277.1).

ClinVar aggregate classification (germline): Uncertain significance (1 of 4 stars; one submission).

Submission:

GeneDx
Classification: Uncertain significance. Last evaluated: 2024-06-05. Review status: criteria provided, single submitter. Criteria: GeneDx Variant Classification Process June 2021. Collection method: clinical testing. Allele origin: germline. Affected: yes.
Comment: Not observed at significant frequency in large population cohorts (gnomAD); In silico analysis supports that this missense variant has a deleterious effect on protein structure/function; Has not been previously published as pathogenic or benign to our knowledge